The following is an entry in ClinVar:

NM_005477.3(HCN4):c.1419G>A (p.Met473Ile)

Gene: HCN4 (hyperpolarization activated cyclic nucleotide gated potassium channel 4; minus strand). Cytogenetic location: 15q24.1.
Variant type: single nucleotide variant.
Coding change: c.1419G>A on transcript NM_005477.3 (MANE Select); coding-DNA position 1419, G replaced by A.
Protein change: p.Met473Ile; replaces methionine 473 with isoleucine.
Molecular consequence: missense variant.
Genome position (GRCh38, 1-based): chr15:73,329,744, C>T on the plus strand (G>A on the coding strand, the complement: HCN4 is on the minus strand). VCF-style: chr15-73329744-C-T. GRCh37 (hg19) VCF-style: chr15-73622085-C-T.
Other names: short protein forms M473I.
Identifiers: ClinVar variation 404128 (VCV000404128.10), dbSNP rs1060500105, ClinGen allele CA16614922.

ClinVar aggregate classification (germline): Uncertain significance. Review status: criteria provided, multiple submitters, no conflicts (2 of 4 stars). 2 submissions from 2 submitters: Uncertain significance (2). Last evaluated 2025-10-07.

Conditions:
Brugada syndrome 8 (BRGDA8). Identifiers: Orphanet 130, MedGen C2751083, MONDO:0013148, OMIM 613123.
Cardiovascular phenotype. Identifiers: MedGen CN230736.

Allele frequency attached by ClinVar (database versions not stated): gnomAD exomes below 0.00001; TOPMed below 0.00001.
gnomAD v4.1: 1 of 1,614,154 alleles (0.000062%); highest among the groups gnomAD compares: Admixed American, 0.0017%; no homozygotes.

Submissions (2):

Labcorp Genetics (formerly Invitae), Labcorp
Classification: Uncertain significance for Brugada syndrome 8. Last evaluated: 2025-10-07. Review status: criteria provided, single submitter. Criteria: Invitae Variant Classification Sherloc (09022015). Collection method: clinical testing. Allele origin: germline.
Comment: This sequence change replaces methionine, which is neutral and non-polar, with isoleucine, which is neutral and non-polar, at codon 473 of the HCN4 protein (p.Met473Ile). This variant is not present in population databases (gnomAD no frequency). This variant has not been reported in the literature in individuals affected with HCN4-related conditions. ClinVar contains an entry for this variant (Variation ID: 404128). Invitae Evidence Modeling of protein sequence and biophysical properties (such as structural, functional, and spatial information, amino acid conservation, physicochemical variation, residue mobility, and thermodynamic stability) indicates that this missense variant is expected to disrupt HCN4 protein function with a positive predictive value of 95%. In summary, the available evidence is currently insufficient to determine the role of this variant in disease. Therefore, it has been classified as a Variant of Uncertain Significance.

Ambry Genetics
Classification: Uncertain significance for Cardiovascular phenotype. Last evaluated: 2025-10-02. Review status: criteria provided, single submitter. Criteria: Ambry Variant Classification Scheme 2023. Collection method: clinical testing. Allele origin: germline.